The following is an entry in ClinVar:

NM_032043.3(BRIP1):c.2990_2993del (p.Thr997fs)

Gene: BRIP1 (BRCA1 interacting DNA helicase 1; minus strand). Cytogenetic location: 17q23.2.
Variant type: Microsatellite.
Coding change: c.2990_2993del on transcript NM_032043.3 (MANE Select); coding-DNA positions 2990 to 2993, 4 bases deleted (CAAA; older notation c.2990_2993delCAAA).
Protein change: p.Thr997fs; shifts the reading frame from threonine 997.
Molecular consequence: frameshift variant.
Genome position (GRCh38, 1-based): chr17:61,684,053-61,684,056, TTTG deleted on the plus strand (CAAA on the coding strand, the reverse complement: BRIP1 is on the minus strand); deleting any 4 consecutive bases within chr17:61,684,053-61,684,066 gives the same sequence; the c. name uses the placement nearest the transcript's 3' end. VCF-style (leftmost placement, unchanged base first): chr17-61684052-CTTTG-C. GRCh37 (hg19) VCF-style: chr17-59761413-CTTTG-C.
Other names: p.Thr997Argfs*61; c.2990_2993delCAAA (NM_032043.2, NM_032043.3); c.2930_2933del (XM_047436893.1); short protein forms T997fs.
Identifiers: ClinVar variation 234281 (VCV000234281.97), dbSNP rs771028677, ClinGen allele CA8690413.

ClinVar aggregate classification (germline): Conflicting classifications of pathogenicity. Review status: criteria provided, conflicting classifications (1 of 4 stars). 34 submissions from 33 submitters: Pathogenic (11); Likely pathogenic (10); Uncertain significance (8). 5 of the submissions do not count toward it. Last evaluated 2026-02-18.

Conditions:
Familial ovarian cancer. Identifiers: MedGen C5679802, MONDO:0016248.
BRIP1-related disorder. Also called: BRIP1-related condition; BRIP1-related disorders. Identifiers: MedGen CN239206.
Hereditary cancer-predisposing syndrome. Also called: Neoplastic Syndromes, Hereditary; Hereditary Cancer Syndrome; Tumor predisposition; Hereditary neoplastic syndrome. Identifiers: Orphanet 140162, MedGen C0027672, MeSH D009386, MONDO:0015356.
Fanconi anemia complementation group J. Also called: BRIP1-Related Fanconi Anemia. Identifiers: Orphanet 84, MedGen C1836860, MONDO:0012187, OMIM 609054.
Familial cancer of breast. Also called: Hereditary breast cancer; hereditary breast carcinoma; BREAST CANCER, FAMILIAL. Identifiers: Orphanet 227535, MedGen C0346153, MONDO:0016419, OMIM 114480. Disease mechanism: loss of function.
Ovarian cancer. Also called: OVARIAN CANCER, SOMATIC. Identifiers: Orphanet 213500, MedGen C1140680, MONDO:0008170, OMIM 167000.
Hereditary breast ovarian cancer syndrome. Also called: BRCA1- and BRCA2-Associated Hereditary Breast and Ovarian Cancer; Hereditary breast and ovarian cancer syndrome (HBOC); Hereditary breast and ovarian cancer syndrome; Hereditary breast and ovarian cancer; Hereditary breast and/or ovarian cancer syndrome; Breast and ovarian cancer. Identifiers: Orphanet 145, MedGen C0677776, MeSH D061325, MONDO:0003582. Disease mechanism: loss of function.

Submissions 1 to 6 of 34:

Praxis Für Humangenetik, Biosciencia MVZ Labor Saar
Classification: Likely pathogenic for Hereditary cancer-predisposing syndrome. Last evaluated: 2026-02-18. Review status: criteria provided, single submitter. Criteria: ACMG Guidelines, 2015. Collection method: clinical testing. Allele origin: germline. Affected: yes.
Comment: This frameshift variant leads to the occurrence of a stop codon and the premature termination of protein biosynthesis. Since this alteration occurs in the last exon of the BRIP1 gene, it likely does not trigger nonsense-mediated mRNA degradation, but rather results in the loss of >10% of the protein through truncation. The affected C-terminal region is necessary for protein stability and binding to BRCA1 (De Nicolo et al., 2008, PMID: 18628483; Xie et al., 2012, PMID: 22792074). This alteration has been detected in individuals with breast and/or ovarian cancer (e.g., Sukpan et al., 2023, PMID: 38003901; Nurmi et al., 2022, PMID: 36551643; Öfverholm et al., 2023, PMID: 37563628). Entries in ClinVar are conflicting (11x pathogenic, 7x likely pathogenic, 7x VUS, ClinVar Variation ID: 234281 Accession: VCV000234281.88). This is primarily due to the publication of an in vitro analysis showing that nonsense variants only cause cisplatin sensitivity up to the amino acid Arg860, and variants located further downstream are resistant to treatment (Calvo et al., 2021, PMID: 33619228). To our knowledge, a functional study of the identified variant c.2990_2993del (p.Thr997Argfs*61) has not yet been performed.

Labcorp Genetics (formerly Invitae), Labcorp
Classification: Uncertain significance for Familial cancer of breast; Fanconi anemia complementation group J. Last evaluated: 2026-01-26. Review status: criteria provided, single submitter. Criteria: Invitae Variant Classification Sherloc (09022015). Collection method: clinical testing. Allele origin: germline.
Comment: This sequence change creates a premature translational stop signal (p.Thr997Argfs*61) in the BRIP1 gene. While this is not anticipated to result in nonsense mediated decay, it is expected to disrupt the last 253 amino acid(s) of the BRIP1 protein. This variant is present in population databases (rs771028677, gnomAD 0.006%). This premature translational stop signal has been observed in individual(s) with breast, ovarian, thyroid, pancreatic, prostate and/or colon cancer (PMID: 28888541, 29478780, 29922827, 31214711, 32885271, 35534704, 35980532, 36551643). It has also been identified in unaffected individuals (PMID: 26786923, 33804961). This premature translational stop signal has been observed to be homozygous, hemizygous or homoplasmic in an individual who did not have the expected clinical features for that genetic result (external communication). ClinVar contains an entry for this variant (Variation ID: 234281). In summary, the available evidence is currently insufficient to determine the role of this variant in disease. Therefore, it has been classified as a Variant of Uncertain Significance.

German Consortium for Hereditary Breast and Ovarian Cancer, University Hospital Cologne
Classification: Uncertain significance for Hereditary breast ovarian cancer syndrome. Last evaluated: 2026-01-13. Review status: criteria provided, single submitter. Criteria: ACMG Guidelines, 2015. Collection method: curation. Allele origin: germline.
Comment: This classification follows the ACMG SVI adaptation classification scheme; We chose this criterion: PVS1 (supporting pathogenic): ab p.983 strength supporting

Quest Diagnostics Nichols Institute San Juan Capistrano
Classification: Uncertain significance. Last evaluated: 2025-10-06. Review status: criteria provided, single submitter. Criteria: Quest Diagnostics criteria. Collection method: clinical testing. Allele origin: unknown.
Comment: The BRIP1 c.2990_2993del (p.Thr997Argfs*61) variant occurs in the last exon of the BRIP1 gene, and is not expected to trigger nonsense-mediated decay, but results in the loss of the last 253 amino acids of the BRIP1 protein. Published studies have shown that the C-terminal region of the BRIP1 protein is involved in protein binding, stability, and maintenance of DNA replication processes (PMIDs: 18628483 (2008), 20159562 (2010), 21127055 (2011), 22792074 (2012)). However, a more recent functional study found that this region is not required for BRIP1-associated DNA damage response (PMID: 33619228 (2021)). In published literature, this variant has been reported in individuals with personal or family history of breast cancer (PMIDs: 26786923 (2016), 26921362 (2016), 36551643 (2022), 38003901 (2023)), ovarian cancer (PMID: 26315354 (2015)), breast and/or ovarian cancer (PMID: 37563628 (2023)), colorectal cancer (PMIDs: 28135145 (2017), 29478780 (2018)), pancreatic cancer (PMIDs: 29922827 (2018), 32885271 (2021)), a Lynch syndrome-associated cancer (PMID: 30254378 (2019)), prostate cancer (PMID: 31214711 (2020)), lung cancer (PMID: 35273153 (2022)), and gastric adenocarcinoma (PMID: 32963463 (2020)). This variant has also been identified in reportedly unaffected individuals (PMIDs: 26786923 (2016), 26921362 (2016), 30254378 (2019)). The frequency of this variant in the general population (Genome Aggregation Database) is uninformative in the assessment of its pathogenicity. Based on the available information, we are unable to determine the clinical significance of this variant.

PreventionGenetics, part of Exact Sciences
Classification: Likely pathogenic for BRIP1-related condition. Last evaluated: 2025-09-25. Review status: criteria provided, single submitter. Criteria: ACMG Guidelines, 2015. Collection method: clinical testing. Allele origin: germline.
Comment: The BRIP1 c.2990_2993delCAAA variant is predicted to result in a frameshift and premature protein termination (p.Thr997Argfs*61). This variant has been reported in multiple individuals with cancer including breast, ovarian, colorectal, prostate, and pancreatic (Nguyen-Dumont et al. 2021. PubMed ID: 33804961; Table S9 and Tables S11-S12, AlDubayan et al. 2018. PubMed ID: 29478780; Thompson et al. 2016. PubMed ID: 26786923; Supplementary Table 3, Ramus et al. 2015. PubMed ID: 26315354; Lerner-Ellis et al. 2020. PubMed ID: 32885271). This variant is reported in 0.0062% of alleles in individuals of European (Non-Finnish) descent in gnomAD and has conflicting interpretations in ClinVar ranging from uncertain to pathogenic (Variation ID: 234281). Frameshift variants in BRIP1 are expected to be pathogenic. However, this variant is not anticipated to result in nonsense mediated decay but does disrupt a region of the protein required for normal function. Therefore, this variant is interpreted as likely pathogenic.

St. Jude Molecular Pathology, St. Jude Children's Research Hospital
Classification: Uncertain significance for Fanconi anemia complementation group J. Last evaluated: 2025-09-11. Review status: criteria provided, single submitter. Criteria: St. Jude Assertion Criteria 2020. Collection method: clinical testing. Allele origin: germline.
Comment: The BRIP1 c.2990_2993del (p.Thr997ArgfsTer61) change deletes four nucleotides to cause a frameshift and the creation of a premature stop codon. This variant is not predicted to result in nonsense mediated decay and the function of the truncated region with respect to disease is uncertain. This variant has been reported in individuals with a personal and/or family history of ovarian and breast cancer (PMID: 26315354, 26921362). To our knowledge, this variant has not been reported in individuals with Fanconi anemia. While this variant currently meets criteria to be classified as of uncertain significance, the Bayesian formulation of the ACMG/AMP guidelines (PMID: 29300386, 32720330) indicates that this variant has an overall posterior probability (PP) of pathogenicity of 0.675 (Uncertain: 0.10 ≤ PP ≤ 0.90). This result does not exclude that possibility that the variant is disease-causing, and additional evidence may allow for re-classification as likely pathogenic (0.99 ≥ PP > 0.90). In summary, the evidence currently available is insufficient to determine the clinical significance of this variant. It has therefore been classified as of uncertain significance.